The following is an entry in ClinVar:

ClinVar aggregate classification (germline): Uncertain significance. Review status: criteria provided, multiple submitters, no conflicts (2 of 4 stars). 2 submissions from 2 submitters: Uncertain significance (2). Last evaluated 2025-12-20.

Conditions:
Inborn genetic diseases. Identifiers: MedGen C0950123, MeSH D030342.

Submissions (2):

Ambry Genetics
Classification: Uncertain significance for Inborn genetic diseases. Last evaluated: 2025-12-20. Review status: criteria provided, single submitter. Criteria: Ambry Variant Classification Scheme 2023. Collection method: clinical testing. Allele origin: germline.
Comment: The p.S1235N variant (also known as c.3704G>A), located in coding exon 1 of the SAMD9 gene, results from a G to A substitution at nucleotide position 3704. The serine at codon 1235 is replaced by asparagine, an amino acid with highly similar properties. This amino acid position is conserved. In addition, this alteration is predicted to be tolerated by in silico analysis. Based on the available evidence, the clinical significance of this variant remains unclear.

Labcorp Genetics (formerly Invitae), Labcorp
Classification: Uncertain significance. Last evaluated: 2022-09-27. Review status: criteria provided, single submitter. Criteria: Invitae Variant Classification Sherloc (09022015). Collection method: clinical testing. Allele origin: germline.
Comment: ClinVar contains an entry for this variant (Variation ID: 1522593). Advanced modeling of protein sequence and biophysical properties (such as structural, functional, and spatial information, amino acid conservation, physicochemical variation, residue mobility, and thermodynamic stability) performed at Invitae indicates that this missense variant is not expected to disrupt SAMD9 protein function. In summary, the available evidence is currently insufficient to determine the role of this variant in disease. Therefore, it has been classified as a Variant of Uncertain Significance. This sequence change replaces serine, which is neutral and polar, with asparagine, which is neutral and polar, at codon 1235 of the SAMD9 protein (p.Ser1235Asn). This variant is not present in population databases (gnomAD no frequency). This variant has not been reported in the literature in individuals affected with SAMD9-related conditions.

NM_017654.4(SAMD9):c.3704G>A (p.Ser1235Asn)

Gene: SAMD9 (sterile alpha motif domain containing 9; minus strand). Cytogenetic location: 7q21.2.
Variant type: single nucleotide variant.
Coding change: c.3704G>A on transcript NM_017654.4 (MANE Select); coding-DNA position 3704, G replaced by A.
Protein change: p.Ser1235Asn; replaces serine 1235 with asparagine.
Molecular consequence: missense variant.
Genome position (GRCh38, 1-based): chr7:93,102,394, C>T on the plus strand (G>A on the coding strand, the complement: SAMD9 is on the minus strand). VCF-style: chr7-93102394-C-T. GRCh37 (hg19) VCF-style: chr7-92731707-C-T.
Other names: c.3704G>A, p.Ser1235Asn (NM_001193307.2); c.3704G>A (NM_017654.3); short protein forms S1235N.
Identifiers: ClinVar variation 1522593 (VCV001522593.9), dbSNP rs1037288683, ClinGen allele CA368183406.
Genomic context (GRCh38, chr7:93,102,394, plus strand): 5'-GGAATATAGTTTTTGAGGGCTAATTTATATTCATTGTTTGGATCCCCTGGAATATCACTA[C>T]TTCCTGATACAAAATTGACCATATATCTTTTAGATAGCTCATTTTTATTATCAAAAAAAG-3'
Protein context (NP_060124.2, residues 1225-1245): KRYMVNFVSG[Ser1235Asn]SDIPGDPNNE